The following is an entry in ClinVar:

ClinVar aggregate classification (germline): Benign (1 of 4 stars; one submission).

Conditions:
Cone-rod dystrophy 7 (CORD7). Identifiers: Orphanet 1872, MedGen C1863634, MONDO:0011355, OMIM 603649.

Allele frequency attached by ClinVar (database versions not stated): 1000 Genomes Project 0.00579; 1000 Genomes Project 30x 0.00625; gnomAD 0.00452 and 0.00428; TOPMed 0.00488.

Submission:

Illumina Laboratory Services, Illumina
Classification: Benign for Cone-rod dystrophy 7. Last evaluated: 2018-01-13. Review status: criteria provided, single submitter. Criteria: ICSL Variant Classification Criteria 13 December 2019. Collection method: clinical testing. Allele origin: germline.
Comment: This variant was observed in the ICSL laboratory as part of a predisposition screen in an ostensibly healthy population. It had not been previously curated by ICSL or reported in the Human Gene Mutation Database (HGMD: prior to June 1st, 2018), and was therefore a candidate for classification through an automated scoring system. Utilizing variant allele frequency, disease prevalence and penetrance estimates, and inheritance mode, an automated score was calculated to assess if this variant is too frequent to cause the disease. Based on the score and internal cut-off values, a variant classified as benign is not then subjected to further curation. The score for this variant resulted in a classification of benign for this disease.

NM_014989.7(RIMS1):c.*2251G>A

Gene: RIMS1 (regulating synaptic membrane exocytosis 1; plus strand). Cytogenetic location: 6q13.
Variant type: single nucleotide variant.
Coding change: c.*2251G>A on transcript NM_014989.7 (MANE Select); 2251 bases downstream of the stop codon, G replaced by A.
Molecular consequence: 3 prime UTR variant.
Genome position (GRCh38, 1-based): chr6:72,402,965, G>A. VCF-style: chr6-72402965-G-A. GRCh37 (hg19) VCF-style: chr6-73112667-G-A.
Other names: c.*2251G>A (NM_001168407.2, NM_001168408.2, NM_001168409.2 and 60 more transcripts).
Identifiers: ClinVar variation 357894 (VCV000357894.5), dbSNP rs116453051, ClinGen allele CA10624601.